The following is an entry in ClinVar:

NM_001330078.2(NRXN1):c.4138G>A (p.Asp1380Asn)

Gene: NRXN1 (neurexin 1; minus strand). Cytogenetic location: 2p16.3.
Variant type: single nucleotide variant.
Coding change: c.4138G>A on transcript NM_001330078.2 (MANE Select); coding-DNA position 4138, G replaced by A.
Protein change: p.Asp1380Asn; replaces aspartic acid 1380 with asparagine.
Molecular consequence: missense variant.
Genome position (GRCh38, 1-based): chr2:49,943,782, C>T on the plus strand (G>A on the coding strand, the complement: NRXN1 is on the minus strand). VCF-style: chr2-49943782-C-T. GRCh37 (hg19) VCF-style: chr2-50170920-C-T.
Other names: c.4258G>A, p.Asp1420Asn (NM_001135659.3); c.43G>A, p.Asp15Asn (NM_001320156.4, NM_001320157.4); c.4114G>A, p.Asp1372Asn (NM_001330077.2, NM_001330082.2); c.3982G>A, p.Asp1328Asn (NM_001330083.2); c.4072G>A, p.Asp1358Asn (NM_001330084.2); c.4111G>A, p.Asp1371Asn (NM_001330085.2); c.4138G>A, p.Asp1380Asn (NM_001330086.2); c.3937G>A, p.Asp1313Asn (NM_001330087.2, NM_001330096.2); and 7 more; short protein forms D1313N, D1323N, D1328N, D1333N, D1350N, D1358N, D1371N, D1372N.
Identifiers: ClinVar variation 1695866 (VCV001695866.2), dbSNP rs2104382256, ClinGen allele CA346818113.

ClinVar aggregate classification (germline): Uncertain significance (1 of 4 stars; one submission).

Allele frequency attached by ClinVar (database versions not stated): gnomAD exomes below 0.00001.
gnomAD v4.1: 1 of 1,609,510 alleles (0.000062%); highest among the groups gnomAD compares: Non-Finnish European, 0.000085%; no homozygotes.

Submission:

GeneDx
Classification: Uncertain significance. Last evaluated: 2022-01-10. Review status: criteria provided, single submitter. Criteria: GeneDx Variant Classification Process June 2021. Collection method: clinical testing. Allele origin: germline. Affected: yes.
Comment: Not observed at significant frequency in large population cohorts (gnomAD); In silico analysis supports that this missense variant has a deleterious effect on protein structure/function; Has not been previously published as pathogenic or benign to our knowledge